The following is an entry in ClinVar:

NM_032444.4(SLX4):c.4034G>A (p.Arg1345His)

Gene: SLX4 (SLX4 structure-specific endonuclease subunit; minus strand). Cytogenetic location: 16p13.3.
Variant type: single nucleotide variant.
Coding change: c.4034G>A on transcript NM_032444.4 (MANE Select); coding-DNA position 4034, G replaced by A.
Protein change: p.Arg1345His; replaces arginine 1345 with histidine.
Molecular consequence: missense variant.
Genome position (GRCh38, 1-based): chr16:3,589,604, C>T on the plus strand (G>A on the coding strand, the complement: SLX4 is on the minus strand). VCF-style: chr16-3589604-C-T. GRCh37 (hg19) VCF-style: chr16-3639605-C-T.
Other names: c.4034G>A (LRG_503t1); short protein forms R1345H.
Identifiers: ClinVar variation 456318 (VCV000456318.10), dbSNP rs757202686, ClinGen allele CA7865756.
Genomic context (GRCh38, chr16:3,589,604, plus strand): 5'-TCCCCTGAGATGGGATGTGGAGCCAGCGGAGAGGAGTGCGGGTGGCCCCCGGGGTGGGGA[C>T]GGGAAGGGCTTCTGTGGCCTTGCCTTCTGCCGTCAGAAGTTCCTGGAGAGACGGGAGTGA-3'
Protein context (NP_115820.2, residues 1335-1355): GRRQGHRSPS[Arg1345His]PHPGGHPHSS

ClinVar aggregate classification (germline): Conflicting classifications of pathogenicity. Review status: criteria provided, conflicting classifications (1 of 4 stars). 3 submissions from 3 submitters: Uncertain significance (2); Likely benign (1). Last evaluated 2025-11-14.

Conditions:
Fanconi anemia complementation group P. Also called: SLX4-Related Fanconi Anemia. Identifiers: Orphanet 84, MedGen C3469542, MONDO:0013499, OMIM 613951.
Fanconi anemia (FA). Also called: Fanconi's anemia. Identifiers: Orphanet 84, MedGen C0015625, MeSH D005199, MONDO:0019391.

Allele frequency attached by ClinVar (database versions not stated): gnomAD 0.00005 and 0.00004; gnomAD exomes 0.00009 and 0.00006; TOPMed 0.00005; ExAC 0.00008.
gnomAD v4.1: 143 of 1,613,688 alleles (0.0089%); highest among the groups gnomAD compares: East Asian, 0.26%; no homozygotes.

Submissions (3):

Dasa
Classification: Likely benign. Last evaluated: 2025-11-14. Review status: criteria provided, single submitter. Criteria: DASA Assertion Criteria. Collection method: clinical testing. Allele origin: germline.
Comment: NM_032444.4(SLX4):c.4034G>A (p.Arg1345His) is a missense variant that results in the substitution of arginine with histidine. Multiple computational predictions suggest no deleterious effect on the gene or gene product. The variant is present at low frequency in population datasets. Based on the available data, this variant is classified as likely benign.

Fulgent Genetics
Classification: Uncertain significance for Fanconi anemia complementation group P. Last evaluated: 2024-05-06. Review status: criteria provided, single submitter. Criteria: ACMG Guidelines, 2015. Collection method: clinical testing. Allele origin: germline.

Labcorp Genetics (formerly Invitae), Labcorp
Classification: Uncertain significance for Fanconi anemia. Last evaluated: 2024-01-27. Review status: criteria provided, single submitter. Criteria: Invitae Variant Classification Sherloc (09022015). Collection method: clinical testing. Allele origin: germline.
Comment: This sequence change replaces arginine, which is basic and polar, with histidine, which is basic and polar, at codon 1345 of the SLX4 protein (p.Arg1345His). This variant is present in population databases (rs757202686, gnomAD 0.07%). This variant has not been reported in the literature in individuals affected with SLX4-related conditions. ClinVar contains an entry for this variant (Variation ID: 456318). Algorithms developed to predict the effect of missense changes on protein structure and function output the following: SIFT: "Not Available"; PolyPhen-2: "Benign"; Align-GVGD: "Not Available". The histidine amino acid residue is found in multiple mammalian species, which suggests that this missense change does not adversely affect protein function. In summary, the available evidence is currently insufficient to determine the role of this variant in disease. Therefore, it has been classified as a Variant of Uncertain Significance.